The following is an entry in ClinVar:

ClinVar aggregate classification (germline): Likely pathogenic (1 of 4 stars; one submission).

Conditions:
Cystic fibrosis (CF). Also called: MUCOVISCIDOSIS. Identifiers: Orphanet 586, MedGen C0010674, MONDO:0009061, OMIM 219700. Disease mechanism: loss of function.

Submission:

Myriad Genetics, Inc.
Classification: Likely pathogenic for Cystic fibrosis. Last evaluated: 2021-12-07. Review status: criteria provided, single submitter. Criteria: Myriad Women's Health Autosomal Recessive and X-Linked Classification Criteria (2021). Collection method: clinical testing. Allele origin: unknown.
Comment: NM_000492.3(CFTR):c.1822delG(E608Nfs*3) is expected to be pathogenic in the context of cystic fibrosis. This variant is predicted to lead to an abnormal or absent protein product due to the creation of a premature termination codon in CFTR, a gene where loss-of-function variants are known to be pathogenic. Please note: this variant was assessed in the context of healthy population screening.

NM_000492.4(CFTR):c.1822del (p.Glu608fs)

Gene: CFTR (CF transmembrane conductance regulator; plus strand). Cytogenetic location: 7q31.2.
Variant type: Deletion.
Coding change: c.1822del on transcript NM_000492.4 (MANE Select); coding-DNA position 1822, one base deleted (G; older notation c.1822delG).
Protein change: p.Glu608fs; shifts the reading frame from glutamic acid 608.
Molecular consequence: frameshift variant.
Genome position (GRCh38, 1-based): chr7:117,591,989, G deleted; the last of 2 consecutive G bases (chr7:117,591,988-117,591,989); deleting either gives the same sequence. VCF-style (leftmost placement, unchanged base first): chr7-117591987-TG-T. GRCh37 (hg19) VCF-style: chr7-117232041-TG-T.
Other names: short protein forms E608fs.
Identifiers: ClinVar variation 1725798 (VCV001725798.2), dbSNP rs2485109141, ClinGen allele CA2580076499.
Genomic context (GRCh38, chr7:117,591,987, plus strand): 5'-CTTAAAGCTGTGTCTGTAAACTGATGGCTAACAAAACTAGGATTTTGGTCACTTCTAAAA[TG>T]GAACATTTAAAGAAAGCTGACAAAATATTAATTTTGCATGAAGGTAGCAGCTATTTTTAT-3'